The following is an entry in ClinVar:

ClinVar aggregate classification (germline): Uncertain significance (1 of 4 stars; one submission).

Allele frequency attached by ClinVar (database versions not stated): gnomAD exomes below 0.00001; gnomAD 0.00001; TOPMed 0.00001.
gnomAD v4.1: 2 of 1,614,088 alleles (0.00012%); highest among the groups gnomAD compares: South Asian, 0.0011%; no homozygotes.

Submission:

Ambry Genetics
Classification: Uncertain significance. Last evaluated: 2024-08-30. Review status: criteria provided, single submitter. Criteria: Ambry Variant Classification Scheme 2023. Collection method: clinical testing. Allele origin: germline.
Comment: The p.T190A variant (also known as c.568A>G), located in coding exon 5 of the KIF1B gene, results from an A to G substitution at nucleotide position 568. The threonine at codon 190 is replaced by alanine, an amino acid with similar properties. This amino acid position is conserved. In addition, the in silico prediction for this alteration is inconclusive. Since supporting evidence is limited at this time, the clinical significance of this alteration remains unclear.

NM_001365951.3(KIF1B):c.568A>G (p.Thr190Ala)

Gene: KIF1B (kinesin family member 1B; plus strand). Cytogenetic location: 1p36.22.
Variant type: single nucleotide variant.
Coding change: c.568A>G on transcript NM_001365951.3 (MANE Select); coding-DNA position 568, A replaced by G.
Protein change: p.Thr190Ala; replaces threonine 190 with alanine.
Molecular consequence: missense variant.
Genome position (GRCh38, 1-based): chr1:10,267,518, A>G. VCF-style: chr1-10267518-A-G. GRCh37 (hg19) VCF-style: chr1-10327576-A-G.
Other names: c.568A>G, p.Thr190Ala (NM_001365952.1, NM_001365953.1, NM_015074.3 and 1 more transcripts); short protein forms T190A.
Identifiers: ClinVar variation 1749060 (VCV001749060.3), dbSNP rs1170884679, ClinGen allele CA338329824.
Genomic context (GRCh38, chr1:10,267,518, plus strand): 5'-GAACACCCACTTCTTGGACCCTATGTGGAGGATCTGTCCAAGTTGGCAGTTACTTCCTAC[A>G]CAGACATTGCTGACCTCATGGATGCTGGGAACAAAGCCAGGTATGGTAGGAAATAGAGTA-3'
Protein context (NP_001352880.1, residues 180-200): DLSKLAVTSY[Thr190Ala]DIADLMDAGN